The following is an entry in ClinVar:

NM_015046.7(SETX):c.5821_5830del (p.Ala1941fs)

Gene: SETX (senataxin; minus strand). Cytogenetic location: 9q34.13.
Variant type: Deletion.
Coding change: c.5821_5830del on transcript NM_015046.7 (MANE Select); coding-DNA positions 5821 to 5830, 10 bases deleted (GCAATAGAAA; older notation c.5821_5830delGCAATAGAAA).
Protein change: p.Ala1941fs; shifts the reading frame from alanine 1941.
Molecular consequence: frameshift variant.
Genome position (GRCh38, 1-based): chr9:132,297,006-132,297,015, TTTCTATTGC deleted on the plus strand (GCAATAGAAA on the coding strand, the reverse complement: SETX is on the minus strand); deleting any 10 consecutive bases within chr9:132,297,006-132,297,020 gives the same sequence; the c. name uses the placement nearest the transcript's 3' end. VCF-style (leftmost placement, unchanged base first): chr9-132297005-GTTTCTATTGC-G. GRCh37 (hg19) VCF-style: chr9-135172392-GTTTCTATTGC-G.
Other names: c.5821_5830del, p.Ala1941fs (NM_001351527.2, NM_001351528.2); short protein forms A1941fs.
Identifiers: ClinVar variation 209188 (VCV000209188.10), dbSNP rs797045067, ClinGen allele CA276162.

ClinVar aggregate classification (germline): Pathogenic/Likely pathogenic. Review status: criteria provided, multiple submitters, no conflicts (2 of 4 stars). 4 submissions from 4 submitters: Pathogenic (2); Likely pathogenic (2). Last evaluated 2023-02-08.

Conditions:
Spinocerebellar ataxia, autosomal recessive, with axonal neuropathy 2 (SCAN2). Also called: Ataxia with Oculomotor Apraxia; ATAXIA-OCULOMOTOR APRAXIA 2; Ataxia-ocular apraxia-2; Ataxia with Oculomotor Apraxia Type 2. Identifiers: Orphanet 64753, MedGen C1853761, MONDO:0018996, OMIM 606002.
Cerebral palsy. Identifiers: MedGen C0007789, MONDO:0006497, HP:0100021.

Submissions (4):

Genome-Nilou Lab
Classification: Likely pathogenic for Spinocerebellar ataxia, autosomal recessive, with axonal neuropathy 2. Last evaluated: 2023-02-08. Review status: criteria provided, single submitter. Criteria: ACMG Guidelines, 2015. Collection method: clinical testing. Allele origin: germline.

Neurogenetics Research Program, University of Adelaide
Classification: Likely pathogenic for Cerebral palsy. Last evaluated: 2021-06-10. Review status: criteria provided, single submitter. Criteria: ACMG Guidelines, 2015. Collection method: research. Allele origin: unknown. Affected: yes. Observed: 1 variant allele.

Genetic Services Laboratory, University of Chicago
Classification: Pathogenic for Ataxia-ocular apraxia-2. Last evaluated: 2014-04-04. Review status: criteria provided, single submitter. Criteria: ACMG Guidelines, 2007. Collection method: clinical testing. Allele origin: germline. Affected: yes.

Baylor Genetics
Classification: Pathogenic for Spinocerebellar ataxia autosomal recessive 1. Last evaluated: 2013-06-05. Review status: criteria provided, single submitter. Criteria: Yang et al. 2013. Collection method: clinical testing. Allele origin: paternal. Inheritance: Autosomal recessive inheritance. Affected: yes. Observed: 1 variant allele, 1 compound heterozygote. Study: Adult_WES.

Literature cited by the submitters: PubMed 26633545 (cited by Baylor Genetics).